The following is an entry in ClinVar:

NM_001377265.1(MAPT):c.2090G>A (p.Ser697Asn)

Gene: MAPT (microtubule associated protein tau). Cytogenetic location: 17q21.31.
Variant type: single nucleotide variant.
Coding change: c.2090G>A on transcript NM_001377265.1 (MANE Select); coding-DNA position 2090, G replaced by A.
Protein change: p.Ser697Asn; replaces serine 697 with asparagine.
Molecular consequence: missense variant. On other transcripts: intron variant (6).
Genome position (GRCh38, 1-based): chr17:46,010,401, G>A. VCF-style: chr17-46010401-G-A. GRCh37 (hg19) VCF-style: chr17-44087767-G-A.
Other names: c.1919G>A, p.Ser640Asn (NM_001123066.4); c.827G>A, p.Ser276Asn (NM_001123067.4); c.914G>A, p.Ser305Asn (NM_005910.6); c.740G>A, p.Ser247Asn (NM_016834.5); c.1865G>A, p.Ser622Asn (NM_016835.5); c.649-3842G>A (NM_001377268.1, NM_016841.5); c.823-3842G>A (NM_001203252.2); c.1801-3842G>A (NM_001377266.1); and 1 more; short protein forms S305N, S247N, S276N, S622N, S640N, S697N.
Identifiers: ClinVar variation 14254 (VCV000014254.3), dbSNP rs63751165, ClinGen allele CA225453.

ClinVar aggregate classification (germline): Pathogenic. Review status: criteria provided, single submitter (1 of 4 stars). 3 submissions from 3 submitters: Pathogenic (1). 2 of the submissions do not count toward it. Last evaluated 2025-12-03.

Conditions:
Frontotemporal dementia (FTD1). Also called: Frontotemporal lobe dementia (FLDEM); FRONTOTEMPORAL DEMENTIA WITH PARKINSONISM; FRONTOTEMPORAL LOBE DEMENTIA; WILHELMSEN-LYNCH DISEASE; FRONTOTEMPORAL LOBAR DEGENERATION WITH TAU INCLUSIONS; FTLD WITH TAU INCLUSIONS. Identifiers: Orphanet 282, MedGen C0338451, MONDO:0017276, OMIM 600274, HP:0002145.

Submissions (3):

Labcorp Genetics (formerly Invitae), Labcorp
Classification: Pathogenic for Frontotemporal dementia. Last evaluated: 2025-12-03. Review status: criteria provided, single submitter. Criteria: Invitae Variant Classification Sherloc (09022015). Collection method: clinical testing. Allele origin: germline.
Comment: This sequence change replaces serine, which is neutral and polar, with asparagine, which is neutral and polar, at codon 305 of the MAPT protein (p.Ser305Asn). This variant is not present in population databases (gnomAD no frequency). This missense change has been observed in individuals with clinical features of frontotemporal dementia (PMID: 10208578, 10505433, 12928922, 15615814; internal data). It has also been observed to segregate with disease in related individuals. ClinVar contains an entry for this variant (Variation ID: 14254). An algorithm developed to predict the effect of missense changes on protein structure and function (PolyPhen-2) suggests that this variant is likely to be disruptive. Experimental studies have shown that this missense change affects MAPT function (PMID: 9989582, 11756436). For these reasons, this variant has been classified as Pathogenic.

OMIM
Classification: Pathogenic for FRONTOTEMPORAL DEMENTIA 1. Last evaluated: 1999-02-25. Review status: no assertion criteria provided. Collection method: literature only. Allele origin: germline. Not counted in ClinVar's aggregate classification.

VIB  Department of Molecular Genetics, University of Antwerp
No classification provided. Review status: no classification provided. Collection method: not provided. Allele origin: not provided. Not counted in ClinVar's aggregate classification.

Literature cited by the submitters: PubMed 10208578 (cited by Labcorp Genetics (formerly Invitae), Labcorp and OMIM); PubMed 10505433 (cited by Labcorp Genetics (formerly Invitae), Labcorp); PubMed 12928922 (cited by Labcorp Genetics (formerly Invitae), Labcorp); PubMed 15615814 (cited by Labcorp Genetics (formerly Invitae), Labcorp); PubMed 9989582 (cited by Labcorp Genetics (formerly Invitae), Labcorp); PubMed 11756436 (cited by Labcorp Genetics (formerly Invitae), Labcorp).